The following is an entry in ClinVar:

NM_015971.4(MRPS7):c.605C>T (p.Pro202Leu)

Gene: MRPS7 (mitochondrial ribosomal protein S7; plus strand). Cytogenetic location: 17q25.1.
Variant type: single nucleotide variant.
Coding change: c.605C>T on transcript NM_015971.4 (MANE Select); coding-DNA position 605, C replaced by T.
Protein change: p.Pro202Leu; replaces proline 202 with leucine.
Molecular consequence: missense variant.
Genome position (GRCh38, 1-based): chr17:75,265,799, C>T. VCF-style: chr17-75265799-C-T. GRCh37 (hg19) VCF-style: chr17-73261880-C-T.
Other names: c.605C>T (NM_015971.3); short protein forms P202L.
Identifiers: ClinVar variation 2714153 (VCV002714153.4), dbSNP rs781486322, ClinGen allele CA8760463.
Genomic context (GRCh38, chr17:75,265,799, plus strand): 5'-TAGCCATGAAGTGGATGATCACTGAGTGCCGGGATAAAAAGCACCAGCGGACACTGATGC[C>T]GGAGAAGCTGTCACACAAGCTGCTGGAGGCTTTCCATAACCAGGGCCCCGTGATCAAGAG-3'
Protein context (NP_057055.2, residues 192-212): RDKKHQRTLM[Pro202Leu]EKLSHKLLEA

ClinVar aggregate classification (germline): Uncertain significance. Review status: criteria provided, multiple submitters, no conflicts (2 of 4 stars). 2 submissions from 2 submitters: Uncertain significance (2). Last evaluated 2025-06-13.

Allele frequency attached by ClinVar (database versions not stated): gnomAD exomes 0.00001; ExAC 0.00002; TOPMed 0.00009; gnomAD 0.00012.
gnomAD v4.1: 39 of 1,614,036 alleles (0.0024%); highest among the groups gnomAD compares: African/African-American, 0.037%; no homozygotes.

Submissions (2):

Labcorp Genetics (formerly Invitae), Labcorp
Classification: Uncertain significance. Last evaluated: 2025-06-13. Review status: criteria provided, single submitter. Criteria: Invitae Variant Classification Sherloc (09022015). Collection method: clinical testing. Allele origin: germline.
Comment: This sequence change replaces proline, which is neutral and non-polar, with leucine, which is neutral and non-polar, at codon 202 of the MRPS7 protein (p.Pro202Leu). This variant is present in population databases (rs781486322, gnomAD 0.03%). This variant has not been reported in the literature in individuals affected with MRPS7-related conditions. ClinVar contains an entry for this variant (Variation ID: 2714153). Invitae Evidence Modeling of protein sequence and biophysical properties (such as structural, functional, and spatial information, amino acid conservation, physicochemical variation, residue mobility, and thermodynamic stability) indicates that this missense variant is not expected to disrupt MRPS7 protein function with a negative predictive value of 80%. In summary, the available evidence is currently insufficient to determine the role of this variant in disease. Therefore, it has been classified as a Variant of Uncertain Significance.

Ambry Genetics
Classification: Uncertain significance. Last evaluated: 2025-03-30. Review status: criteria provided, single submitter. Criteria: Ambry Variant Classification Scheme 2023. Collection method: clinical testing. Allele origin: germline.